The following is an entry in ClinVar:

ClinVar aggregate classification (germline): Uncertain significance (1 of 4 stars; one submission).

Conditions:
Cataract 9 multiple types. Also called: Cataract 9, multiple types, with or without microcornea; Cataract, autosomal recessive congenital 1. Identifiers: Orphanet 1377, MedGen C1858679, MONDO:0011413, OMIM 604219.

Allele frequency attached by ClinVar (database versions not stated): gnomAD exomes 0.00002; ExAC 0.00003.

Submission:

Labcorp Genetics (formerly Invitae), Labcorp
Classification: Uncertain significance for Cataract 9 multiple types. Last evaluated: 2023-07-17. Review status: criteria provided, single submitter. Criteria: Invitae Variant Classification Sherloc (09022015). Collection method: clinical testing. Allele origin: germline.
Comment: In summary, the available evidence is currently insufficient to determine the role of this variant in disease. Therefore, it has been classified as a Variant of Uncertain Significance. An algorithm developed to predict the effect of missense changes on protein structure and function (PolyPhen-2) suggests that this variant is likely to be disruptive. ClinVar contains an entry for this variant (Variation ID: 1482119). This variant has not been reported in the literature in individuals affected with CRYAA-related conditions. This variant is present in population databases (rs754701447, gnomAD 0.02%). This sequence change replaces glutamine, which is neutral and polar, with histidine, which is basic and polar, at codon 25 of the CRYAA protein (p.Gln25His).

NM_000394.4(CRYAA):c.75G>C (p.Gln25His)

Gene: CRYAA (crystallin alpha A; plus strand). Cytogenetic location: 21q22.3.
Variant type: single nucleotide variant.
Coding change: c.75G>C on transcript NM_000394.4 (MANE Select); coding-DNA position 75, G replaced by C.
Protein change: p.Gln25His; replaces glutamine 25 with histidine.
Molecular consequence: missense variant.
Genome position (GRCh38, 1-based): chr21:43,169,174, G>C. VCF-style: chr21-43169174-G-C. GRCh37 (hg19) VCF-style: chr21-44589284-G-C.
Other names: short protein forms Q25H.
Identifiers: ClinVar variation 1482119 (VCV001482119.8), dbSNP rs754701447, ClinGen allele CA321167419.